The following is an entry in ClinVar:

NM_003506.4(FZD6):c.1531C>T (p.Arg511Cys)

Gene: FZD6 (frizzled class receptor 6; plus strand). Cytogenetic location: 8q22.3.
Variant type: single nucleotide variant.
Coding change: c.1531C>T on transcript NM_003506.4 (MANE Select); coding-DNA position 1531, C replaced by T.
Protein change: p.Arg511Cys; replaces arginine 511 with cysteine.
Molecular consequence: missense variant.
Genome position (GRCh38, 1-based): chr8:103,328,406, C>T. VCF-style: chr8-103328406-C-T. GRCh37 (hg19) VCF-style: chr8-104340634-C-T.
Other names: c.1531C>T, p.Arg511Cys (NM_001164615.2); c.1435C>T, p.Arg479Cys (NM_001164616.2); c.616C>T, p.Arg206Cys (NM_001317796.2); short protein forms R511C, R479C, R206C.
Identifiers: ClinVar variation 30356 (VCV000030356.5), dbSNP rs151339003, ClinGen allele CA129147.

ClinVar aggregate classification (germline): Pathogenic. Review status: no assertion criteria provided (0 of 4 stars). 2 submissions from 2 submitters: Pathogenic (2). Last evaluated 2011-06-10.

Conditions:
Nonsyndromic congenital nail disorder 1. Also called: CLAW-SHAPED NAILS; ONYCHAUXIS, HYPONYCHIA, AND ONYCHOLYSIS; NAIL DISORDER, NONSYNDROMIC CONGENITAL, 10; ONYCHODYSTROPHY TOTALIS, ISOLATED; Twenty nail dystrophy. Identifiers: Orphanet 280654, Orphanet 79153, MedGen C0406443, MONDO:0008060, OMIM 161050.
Nail disease. Also called: Nail disorder. Identifiers: MedGen C0027339, MONDO:0002884.

Allele frequency attached by ClinVar (database versions not stated): gnomAD 0.00001; gnomAD exomes 0.00001 and below 0.00001; TOPMed 0.00001; ExAC 0.00001.
gnomAD v4.1: 8 of 1,610,856 alleles (0.0005%); highest among the groups gnomAD compares: Non-Finnish European, 0.00068%; no homozygotes.

Submissions (2):

OMIM
Classification: Pathogenic for NAIL DISORDER, NONSYNDROMIC CONGENITAL, 1. Last evaluated: 2011-06-10. Review status: no assertion criteria provided. Collection method: literature only. Allele origin: germline.

Department of Immunology, Genetics and Pathology,  Uppsala University
Classification: Pathogenic. Review status: no assertion criteria provided. Collection method: not provided. Allele origin: germline, somatic.
ClinVar note: Converted during submission from pathogenic to Pathogenic.

Literature cited by the submitters: PubMed 21665003 (cited by OMIM).